The following is an entry in ClinVar:

ClinVar aggregate classification (germline): Benign/Likely benign. Review status: criteria provided, multiple submitters, no conflicts (2 of 4 stars). 3 submissions from 3 submitters: Benign (1); Likely benign (2). Last evaluated 2024-05-08.

Conditions:
Familial cancer of breast. Also called: BREAST CANCER, FAMILIAL; Hereditary breast cancer; hereditary breast carcinoma. Identifiers: Orphanet 227535, MedGen C0346153, MONDO:0016419, OMIM 114480. Disease mechanism: loss of function.
Ataxia-telangiectasia syndrome (AT). Also called: Ataxia telangiectasia (A-T); Ataxia-telangiectasia, complementation group D; Ataxia-telangiectasia, complementation group E; AT, COMPLEMENTATION GROUP C; Cerebello-oculocutaneous telangiectasia; Immunodeficiency with ataxia telangiectasia. Identifiers: Orphanet 100, MedGen C0004135, MONDO:0008840, OMIM 208900.

Submissions (3):

Myriad Genetics, Inc.
Classification: Benign for Familial cancer of breast. Last evaluated: 2024-05-08. Review status: criteria provided, single submitter. Criteria: Myriad Autosomal Dominant, Autosomal Recessive and X-Linked Classification Criteria (2023). Collection method: clinical testing. Allele origin: unknown.
Comment: This variant is considered benign. This variant is a silent/synonymous amino acid change and it is not expected to impact splicing.

Labcorp Genetics (formerly Invitae), Labcorp
Classification: Likely benign for Ataxia-telangiectasia syndrome. Last evaluated: 2020-07-23. Review status: criteria provided, single submitter. Criteria: Invitae Variant Classification Sherloc (09022015). Collection method: clinical testing. Allele origin: germline.

GeneDx
Classification: Likely benign. Last evaluated: 2018-05-25. Review status: criteria provided, single submitter. Criteria: GeneDx Variant Classification (06012015). Collection method: clinical testing. Allele origin: germline. Affected: yes.
Comment: This variant is considered likely benign or benign based on one or more of the following criteria: it is a conservative change, it occurs at a poorly conserved position in the protein, it is predicted to be benign by multiple in silico algorithms, and/or has population frequency not consistent with disease.

NM_000051.4(ATM):c.2403C>A (p.Gly801=)

Gene: ATM (ATM serine/threonine kinase; plus strand). Cytogenetic location: 11q22.3.
Variant type: single nucleotide variant.
Coding change: c.2403C>A on transcript NM_000051.4 (MANE Select); coding-DNA position 2403, C replaced by A.
Protein change: p.Gly801=; no amino-acid change (glycine 801 retained).
Molecular consequence: synonymous variant.
Genome position (GRCh38, 1-based): chr11:108,259,012, C>A. VCF-style: chr11-108259012-C-A. GRCh37 (hg19) VCF-style: chr11-108129739-C-A.
Other names: c.2403C>A, p.Gly801= (NM_001351834.2).
Identifiers: ClinVar variation 669124 (VCV000669124.10), dbSNP rs1264455310, ClinGen allele CA476672850.